The following is an entry in ClinVar:

NM_022041.4(GAN):c.660T>C (p.Ala220=)

Gene: GAN (gigaxonin; plus strand). Cytogenetic location: 16q23.2.
Variant type: single nucleotide variant.
Coding change: c.660T>C on transcript NM_022041.4 (MANE Select); coding-DNA position 660, T replaced by C.
Protein change: p.Ala220=; no amino-acid change (alanine 220 retained).
Molecular consequence: synonymous variant.
Genome position (GRCh38, 1-based): chr16:81,356,811, T>C. VCF-style: chr16-81356811-T-C. GRCh37 (hg19) VCF-style: chr16-81390416-T-C.
Other names: c.21T>C, p.Ala7= (NM_001377486.1).
Identifiers: ClinVar variation 514098 (VCV000514098.12), dbSNP rs1555511259, ClinGen allele CA496834061.
Genomic context (GRCh38, chr16:81,356,811, plus strand): 5'-TGTTTTCGCCCCATCTTTCTTCCCTCTTCTGCAGGTCCACATGAAGGATGTTATGTCAGC[T>C]CTGTGGGTTTCAGGGTTGGACTCCAGTTATTTACGGGAACAGATGCTGAATGAACCATTA-3'
Protein context (NP_071324.1, residues 210-230): RKVHMKDVMS[Ala220=]LWVSGLDSSY

ClinVar aggregate classification (germline): Likely benign. Review status: criteria provided, multiple submitters, no conflicts (2 of 4 stars). 4 submissions from 4 submitters: Likely benign (4). Last evaluated 2026-08-01.

Conditions:
Giant axonal neuropathy 1 (GAN1). Also called: GIANT AXONAL NEUROPATHY 1, AUTOSOMAL RECESSIVE; GAN-Related Neurodegeneration. Identifiers: Orphanet 643, MedGen C1850386, MONDO:0009749, OMIM 256850.
Inborn genetic diseases. Identifiers: MedGen C0950123, MeSH D030342.

Allele frequency attached by ClinVar (database versions not stated): gnomAD exomes 0.00001; TOPMed 0.00001.
gnomAD v4.1: 15 of 1,613,300 alleles (0.00093%); highest among the groups gnomAD compares: Non-Finnish European, 0.0011%; no homozygotes.

Submissions (4):

CeGaT Center for Human Genetics Tuebingen
Classification: Likely benign. Last evaluated: 2026-08-01. Review status: criteria provided, single submitter. Criteria: CeGaT Center For Human Genetics Tuebingen Variant Classification Criteria Version 2. Collection method: clinical testing. Allele origin: germline. Affected: yes. Observed: 1 variant allele.
Comment: GAN: BP4, BP7

Labcorp Genetics (formerly Invitae), Labcorp
Classification: Likely benign for Giant axonal neuropathy 1. Last evaluated: 2021-03-09. Review status: criteria provided, single submitter. Criteria: Invitae Variant Classification Sherloc (09022015). Collection method: clinical testing. Allele origin: germline.

Ambry Genetics
Classification: Likely benign for Inborn genetic diseases. Last evaluated: 2019-07-11. Review status: criteria provided, single submitter. Criteria: Ambry Variant Classification Scheme 2023. Collection method: clinical testing. Allele origin: germline.

GeneDx
Classification: Likely benign. Last evaluated: 2017-12-21. Review status: criteria provided, single submitter. Criteria: GeneDx Variant Classification (06012015). Collection method: clinical testing. Allele origin: germline. Affected: yes.
Comment: This variant is considered likely benign or benign based on one or more of the following criteria: it is a conservative change, it occurs at a poorly conserved position in the protein, it is predicted to be benign by multiple in silico algorithms, and/or has population frequency not consistent with disease.